The following is an entry in ClinVar:

ClinVar aggregate classification (germline): Likely pathogenic (1 of 4 stars; one submission).

Submission:

Labcorp Genetics (formerly Invitae), Labcorp
Classification: Likely pathogenic. Last evaluated: 2023-07-25. Review status: criteria provided, single submitter. Criteria: Invitae Variant Classification Sherloc (09022015). Collection method: clinical testing. Allele origin: germline.
Comment: This variant results in the deletion of part of exon 18 (c.1863_1899+364del) of the PHEX gene. It is expected to disrupt RNA splicing. Variants that disrupt the donor or acceptor splice site typically lead to a loss of protein function (PMID: 16199547), and loss-of-function variants in PHEX are known to be pathogenic (PMID: 9097956, 9106524, 19219621). This variant is not present in population databases (gnomAD no frequency). This variant has not been reported in the literature in individuals affected with PHEX-related conditions. In summary, the currently available evidence indicates that the variant is pathogenic, but additional data are needed to prove that conclusively. Therefore, this variant has been classified as Likely Pathogenic.

Literature cited by the submitters: PubMed 16199547; PubMed 9097956; PubMed 9106524; PubMed 19219621.

NM_000444.6(PHEX):c.1863_1899+364del

Genes: PHEX (phosphate regulating endopeptidase X-linked; plus strand), PTCHD1-AS (PTCHD1 and PHEX antisense RNA; minus strand). Cytogenetic location: Xp22.11.
Variant type: Deletion.
Coding change: c.1863_1899+364del on transcript NM_000444.6 (MANE Select); coding-DNA position 1863 through 364 bases into the intron after coding-DNA position 1899, 401 bases deleted.
Molecular consequence: splice donor variant.
Genome position (GRCh38, 1-based): chrX:22,221,707-22,222,107, 401 bases deleted. GRCh37 (hg19): chrX:22,239,824-22,240,224.
Other names: c.1863_1899+364del (NM_001282754.2).
Identifiers: ClinVar variation 2746795 (VCV002746795.3), dbSNP rs2518664559, ClinGen allele CA2697552907.